The following is an entry in ClinVar:

NM_147191.1(MMP21):c.902T>G (p.Met301Arg)

Gene: MMP21 (matrix metallopeptidase 21; minus strand). Cytogenetic location: 10q26.2.
Variant type: single nucleotide variant.
Coding change: c.902T>G on transcript NM_147191.1 (MANE Select); coding-DNA position 902, T replaced by G.
Protein change: p.Met301Arg; replaces methionine 301 with arginine.
Molecular consequence: missense variant.
Genome position (GRCh38, 1-based): chr10:125,772,295, A>C on the plus strand (T>G on the coding strand, the complement: MMP21 is on the minus strand). VCF-style: chr10-125772295-A-C. GRCh37 (hg19) VCF-style: chr10-127460864-A-C.
Other names: short protein forms M301R.
Identifiers: ClinVar variation 3912119 (VCV003912119.3).
Genomic context (GRCh38, chr10:125,772,295, plus strand): 5'-GCTTTCCTGTCTGACCAGTCCAACTCAAAGGCAGGCTCCTGGGGAATGTAATTTGGTTGC[A>C]TTATGGATCCCGTCCTGTAGGTGTGAGGCAAGCCCAGGACATGGCCAATTTCATGGACGG-3'
Protein context (NP_671724.1, residues 291-311): LPHTYRTGSI[Met301Arg]QPNYIPQEPA

ClinVar aggregate classification (germline): Uncertain significance. Review status: criteria provided, multiple submitters, no conflicts (2 of 4 stars). 2 submissions from 2 submitters: Uncertain significance (2). Last evaluated 2025-03-25.

Conditions:
Inborn genetic diseases. Identifiers: MedGen C0950123, MeSH D030342.
Heterotaxy, visceral, 7, autosomal (HTX7). Identifiers: Orphanet 450, MedGen C4225217, MONDO:0014762, OMIM 616749.

Submissions (2):

Ambry Genetics
Classification: Uncertain significance for Inborn genetic diseases. Last evaluated: 2025-03-25. Review status: criteria provided, single submitter. Criteria: Ambry Variant Classification Scheme 2023. Collection method: clinical testing. Allele origin: germline.

Juno Genomics, Hangzhou Juno Genomics, Inc
Classification: Uncertain significance for Heterotaxy, visceral, 7, autosomal. Review status: criteria provided, single submitter. Criteria: ACMG Guidelines, 2015. Collection method: clinical testing. Allele origin: germline.
Comment: Absent from controls (or at extremely low frequency if recessive) in Genome Aggregation Database.;Multiple lines of computational evidence support a deleterious effect on the gene or gene product.